The following is an entry in ClinVar:

ClinVar aggregate classification (germline): Uncertain significance (1 of 4 stars; one submission).

gnomAD v4.1: 1 of 1,573,592 alleles (0.000064%); highest among the groups gnomAD compares: Non-Finnish European, 0.000086%; no homozygotes.

Submission:

Labcorp Genetics (formerly Invitae), Labcorp
Classification: Uncertain significance. Last evaluated: 2025-09-14. Review status: criteria provided, single submitter. Criteria: Invitae Variant Classification Sherloc (09022015). Collection method: clinical testing. Allele origin: germline.
Comment: This sequence change replaces methionine, which is neutral and non-polar, with lysine, which is basic and polar, at codon 659 of the DVL1 protein (p.Met659Lys). The frequency data for this variant in the population databases is considered unreliable, as metrics indicate poor data quality at this position in the gnomAD database. This variant has not been reported in the literature in individuals affected with DVL1-related conditions. Invitae Evidence Modeling of protein sequence and biophysical properties (such as structural, functional, and spatial information, amino acid conservation, physicochemical variation, residue mobility, and thermodynamic stability) indicates that this missense variant is expected to disrupt DVL1 protein function with a positive predictive value of 80%. In summary, the available evidence is currently insufficient to determine the role of this variant in disease. Therefore, it has been classified as a Variant of Uncertain Significance.

NM_001330311.2(DVL1):c.2051T>A (p.Met684Lys)

Gene: DVL1 (dishevelled segment polarity protein 1; minus strand). Cytogenetic location: 1p36.33.
Variant type: single nucleotide variant.
Coding change: c.2051T>A on transcript NM_001330311.2 (MANE Select); coding-DNA position 2051, T replaced by A.
Protein change: p.Met684Lys; replaces methionine 684 with lysine.
Molecular consequence: missense variant.
Genome position (GRCh38, 1-based): chr1:1,336,179, A>T on the plus strand (T>A on the coding strand, the complement: DVL1 is on the minus strand). VCF-style: chr1-1336179-A-T. GRCh37 (hg19) VCF-style: chr1-1271559-A-T.
Other names: c.1976T>A, p.Met659Lys (NM_004421.3); short protein forms M659K, M684K.
Identifiers: ClinVar variation 4740969 (VCV004740969.1).
Genomic context (GRCh38, chr1:1,336,179, plus strand): 5'-AGGGCTGGGGCATGCGCCACGAGTCACATGATGTCCACGAAGAACTCGCAGGGGTTCCCC[A>T]TAGCCTTCTGGAAGGACTGGCGGCTGCCTGTCAATTCCGGGGGGACGGCAGCCAGCTCCC-3'
Protein context (NP_001317240.1, residues 674-694): TGSRQSFQKA[Met684Lys]GNPCEFFVDI